The following is an entry in ClinVar:

ClinVar aggregate classification (germline): Uncertain significance. Review status: criteria provided, multiple submitters, no conflicts (2 of 4 stars). 2 submissions from 2 submitters: Uncertain significance (2). Last evaluated 2023-01-09.

Allele frequency attached by ClinVar (database versions not stated): 1000 Genomes Project 30x 0.00016; 1000 Genomes Project 0.00020.
gnomAD v4.1: 40 of 1,614,208 alleles (0.0025%); highest among the groups gnomAD compares: Middle Eastern, 0.016%; no homozygotes.

Submissions (2):

Labcorp Genetics (formerly Invitae), Labcorp
Classification: Uncertain significance. Last evaluated: 2023-01-09. Review status: criteria provided, single submitter. Criteria: Invitae Variant Classification Sherloc (09022015). Collection method: clinical testing. Allele origin: germline.
Comment: This sequence change replaces aspartic acid, which is acidic and polar, with asparagine, which is neutral and polar, at codon 12 of the ACOX2 protein (p.Asp12Asn). This variant is present in population databases (rs201238108, gnomAD 0.002%). This variant has not been reported in the literature in individuals affected with ACOX2-related conditions. Algorithms developed to predict the effect of missense changes on protein structure and function (SIFT, PolyPhen-2, Align-GVGD) all suggest that this variant is likely to be tolerated. In summary, the available evidence is currently insufficient to determine the role of this variant in disease. Therefore, it has been classified as a Variant of Uncertain Significance.

Breakthrough Genomics
Classification: Uncertain significance. Review status: criteria provided, single submitter. Criteria: ACMG Guidelines, 2015. Collection method: not provided. Allele origin: germline. Inheritance: Autosomal recessive inheritance. Affected: yes.

NM_003500.4(ACOX2):c.34G>A (p.Asp12Asn)

Gene: ACOX2 (acyl-CoA oxidase 2; minus strand). Cytogenetic location: 3p14.3.
Variant type: single nucleotide variant.
Coding change: c.34G>A on transcript NM_003500.4 (MANE Select); coding-DNA position 34, G replaced by A.
Protein change: p.Asp12Asn; replaces aspartic acid 12 with asparagine.
Molecular consequence: missense variant.
Genome position (GRCh38, 1-based): chr3:58,535,073, C>T on the plus strand (G>A on the coding strand, the complement: ACOX2 is on the minus strand). VCF-style: chr3-58535073-C-T. GRCh37 (hg19) VCF-style: chr3-58520800-C-T.
Other names: short protein forms D12N.
Identifiers: ClinVar variation 3011333 (VCV003011333.4), dbSNP rs201238108, ClinGen allele CA75518812.